The following is an entry in ClinVar:

NM_006516.4(SLC2A1):c.1395C>T (p.Ser465=)

Gene: SLC2A1 (solute carrier family 2 member 1; minus strand). Cytogenetic location: 1p34.2.
Variant type: single nucleotide variant.
Coding change: c.1395C>T on transcript NM_006516.4 (MANE Select); coding-DNA position 1395, C replaced by T.
Protein change: p.Ser465=; no amino-acid change (serine 465 retained).
Molecular consequence: synonymous variant.
Genome position (GRCh38, 1-based): chr1:42,927,125, G>A on the plus strand (C>T on the coding strand, the complement: SLC2A1 is on the minus strand). VCF-style: chr1-42927125-G-A. GRCh37 (hg19) VCF-style: chr1-43392796-G-A.
Identifiers: ClinVar variation 212203 (VCV000212203.26), dbSNP rs75852730, ClinGen allele CA207542.

ClinVar aggregate classification (germline): Conflicting classifications of pathogenicity. Review status: criteria provided, conflicting classifications (1 of 4 stars). 8 submissions from 8 submitters: Uncertain significance (2); Likely benign (6). Last evaluated 2026-01-19.

Conditions:
SLC2A1-related disorder. Also called: SLC2A1-related disorders; SLC2A1-related condition.
Epilepsy, idiopathic generalized, susceptibility to, 12 (EIG12). Identifiers: MedGen C3553859, MONDO:0013919, OMIM 614847.
Encephalopathy due to GLUT1 deficiency. Also called: GLUCOSE TRANSPORT DEFECT, BLOOD-BRAIN BARRIER; Classic Glucose Transporter Type 1 Deficiency Syndrome; De Vivo disease; GLUT1 deficiency syndrome 1; Glucose transporter protein syndrome; GLUT1 deficiency syndrome 1, infantile onset, severe. Identifiers: Orphanet 71277, MedGen C4551966, MONDO:0011724, OMIM 606777.
Childhood onset GLUT1 deficiency syndrome 2. Also called: GLUT1 deficiency syndrome 2; PAROXYSMAL EXERCISE-INDUCED DYSKINESIA WITH OR WITHOUT EPILEPSY AND/OR HEMOLYTIC ANEMIA; PAROXYSMAL EXERTION-INDUCED DYSTONIA WITH OR WITHOUT EPILEPSY AND/OR HEMOLYTIC ANEMIA; PED WITH OR WITHOUT EPILEPSY AND/OR HEMOLYTIC ANEMIA; Paroxysmal exercise-induced dystonia; PxMD-SLC2A1. Identifiers: Orphanet 98811, MedGen C1842534, MONDO:0012805, OMIM 612126.
Hereditary cryohydrocytosis with reduced stomatin. Also called: Stomatin-deficient cryohydrocytosis with neurologic defects; GLUT1 DEFICIENCY SYNDROME WITH PSEUDOHYPERKALEMIA AND HEMOLYSIS. Identifiers: Orphanet 168577, MedGen C1837206, MONDO:0012143, OMIM 608885.
Dystonia 9 (DYT9). Also called: CHOREOATHETOSIS, KINESIGENIC, WITH EPISODIC ATAXIA AND SPASTICITY. Identifiers: Orphanet 53583, MedGen C1832855, MONDO:0010983, OMIM 601042.
Inborn genetic diseases. Identifiers: MedGen C0950123, MeSH D030342.
GLUT1 deficiency syndrome 1, autosomal recessive. Identifiers: MedGen C3149117.

Allele frequency attached by ClinVar (database versions not stated): ExAC 0.00002; gnomAD exomes 0.00004; TOPMed 0.00005; gnomAD 0.00007 and 0.00008.

Submissions (8):

Labcorp Genetics (formerly Invitae), Labcorp
Classification: Likely benign for GLUT1 deficiency syndrome 1, autosomal recessive. Last evaluated: 2026-01-19. Review status: criteria provided, single submitter. Criteria: Invitae Variant Classification Sherloc (09022015). Collection method: clinical testing. Allele origin: germline.

PreventionGenetics, part of Exact Sciences
Classification: Likely benign for SLC2A1-related condition. Last evaluated: 2025-12-29. Review status: criteria provided, single submitter. Criteria: ACMG Guidelines, 2015. Collection method: clinical testing. Allele origin: germline.
Comment: This variant is classified as likely benign based on ACMG/AMP sequence variant interpretation guidelines (Richards et al. 2015 PMID: 25741868, with internal and published modifications).

Women's Health and Genetics/Laboratory Corporation of America, LabCorp
Classification: Likely benign. Last evaluated: 2025-02-06. Review status: criteria provided, single submitter. Criteria: LabCorp Variant Classification Summary - May 2015. Collection method: clinical testing. Allele origin: germline.
Comment: Variant summary: SLC2A1 c.1395C>T alters a conserved nucleotide resulting in a synonymous change in the last exon. The variant allele was found at a frequency of 4e-05 in 251018 control chromosomes. This frequency is not significantly higher than estimated for a pathogenic variant in SLC2A1 causing GLUT1 Deficiency Syndrome 1, allowing no conclusion about variant significance. To our knowledge, no occurrence of c.1395C>T in individuals affected with GLUT1 Deficiency Syndrome 1 and no experimental evidence demonstrating its impact on protein function have been reported. ClinVar contains an entry for this variant (Variation ID: 212203). Based on the evidence outlined above, the variant was classified as likely benign.

Blueprint Genetics
Classification: Likely benign. Last evaluated: 2021-10-10. Review status: criteria provided, single submitter. Criteria: ACMG Guidelines, 2015. Collection method: clinical testing. Allele origin: germline.

GeneDx
Classification: Likely benign. Last evaluated: 2021-04-22. Review status: criteria provided, single submitter. Criteria: GeneDx Variant Classification Process June 2021. Collection method: clinical testing. Allele origin: germline. Affected: yes.

Ambry Genetics
Classification: Likely benign for Inborn genetic diseases. Last evaluated: 2017-11-14. Review status: criteria provided, single submitter. Criteria: Ambry Variant Classification Scheme 2023. Collection method: clinical testing. Allele origin: germline.

Genetic Services Laboratory, University of Chicago
Classification: Uncertain significance. Last evaluated: 2015-02-12. Review status: criteria provided, single submitter. Criteria: ACMG Guidelines, 2015. Collection method: clinical testing. Allele origin: germline.

Center for Genomics, Ann and Robert H. Lurie Children's Hospital of Chicago
Classification: Uncertain significance for Dystonia 9; Encephalopathy due to GLUT1 deficiency; Hereditary cryohydrocytosis with reduced stomatin; Epilepsy, idiopathic generalized, susceptibility to, 12; Childhood onset GLUT1 deficiency syndrome 2. Review status: criteria provided, single submitter. Criteria: ACMG Guidelines, 2015. Collection method: clinical testing. Allele origin: germline.
Comment: SLC2A1 NM_006516 exon 10 p.Ser465Ser (c.1395C>T): This variant has not been reported in the literature but is present in 4/34420 Latino alleles in the Genome Aggregation Database. This variant is present in ClinVar (Variation ID:212203). Evolutionary conservation and computational predictive tools for this variant are limited or unavailable. Of note, this variant is a silent variant and does not change the amino acid, reducing the probability that this variant is disease causing. In summary, data on this variant is insufficient for disease classification. Therefore, the clinical significance of this variant is uncertain.